The following is an entry in ClinVar:

ClinVar aggregate classification (germline): Uncertain significance (1 of 4 stars; one submission).

Conditions:
Norman-Roberts syndrome (LIS2). Also called: Lissencephaly 2 (Norman-Roberts type). Identifiers: Orphanet 89844, MedGen C0796089, MONDO:0009760, OMIM 257320.
Familial temporal lobe epilepsy 7. Identifiers: Orphanet 101046, MedGen C4225327, MONDO:0014639, OMIM 616436.

Submission:

Labcorp Genetics (formerly Invitae), Labcorp
Classification: Uncertain significance for Familial temporal lobe epilepsy 7; Norman-Roberts syndrome. Last evaluated: 2022-08-08. Review status: criteria provided, single submitter. Criteria: Invitae Variant Classification Sherloc (09022015). Collection method: clinical testing. Allele origin: germline.
Comment: In summary, the available evidence is currently insufficient to determine the role of this variant in disease. Therefore, it has been classified as a Variant of Uncertain Significance. Advanced modeling of protein sequence and biophysical properties (such as structural, functional, and spatial information, amino acid conservation, physicochemical variation, residue mobility, and thermodynamic stability) performed at Invitae indicates that this missense variant is expected to disrupt RELN protein function. This variant has not been reported in the literature in individuals affected with RELN-related conditions. This variant is not present in population databases (gnomAD no frequency). This sequence change replaces tryptophan, which is neutral and slightly polar, with cysteine, which is neutral and slightly polar, at codon 2653 of the RELN protein (p.Trp2653Cys).

NM_005045.4(RELN):c.7959G>C (p.Trp2653Cys)

Gene: RELN (reelin; minus strand). Cytogenetic location: 7q22.1.
Variant type: single nucleotide variant.
Coding change: c.7959G>C on transcript NM_005045.4 (MANE Select); coding-DNA position 7959, G replaced by C.
Protein change: p.Trp2653Cys; replaces tryptophan 2653 with cysteine.
Molecular consequence: missense variant.
Genome position (GRCh38, 1-based): chr7:103,515,345, C>G on the plus strand (G>C on the coding strand, the complement: RELN is on the minus strand). VCF-style: chr7-103515345-C-G. GRCh37 (hg19) VCF-style: chr7-103155792-C-G.
Other names: c.7959G>C, p.Trp2653Cys (NM_173054.3); short protein forms W2653C.
Identifiers: ClinVar variation 2070669 (VCV002070669.4), dbSNP rs2484741091, ClinGen allele CA368763261.